The following is an entry in ClinVar:

NM_206933.4(USH2A):c.12395T>A (p.Leu4132Gln)

Gene: USH2A (usherin; minus strand). Cytogenetic location: 1q41.
Variant type: single nucleotide variant.
Coding change: c.12395T>A on transcript NM_206933.4 (MANE Select); coding-DNA position 12395, T replaced by A.
Protein change: p.Leu4132Gln; replaces leucine 4132 with glutamine.
Molecular consequence: missense variant.
Genome position (GRCh38, 1-based): chr1:215,675,516, A>T on the plus strand (T>A on the coding strand, the complement: USH2A is on the minus strand). VCF-style: chr1-215675516-A-T. GRCh37 (hg19) VCF-style: chr1-215848858-A-T.
Other names: short protein forms L4132Q.
Identifiers: ClinVar variation 3004463 (VCV003004463.3), dbSNP rs767712486, ClinGen allele CA1393474.
Genomic context (GRCh38, chr1:215,675,516, plus strand): 5'-TCATCTGTCCACAGAGGCTGAGGCGCCGAGTGTGCACAACCTGCTCTGGTGCAGGCCTCC[A>T]GGGTCAGTGTGTAGAGAGTGAAAGGATCCAGGCGGCGGAAGAGAAACTGACGATTCAAAC-3'
Protein context (NP_996816.3, residues 4122-4142): LDPFTLYTLT[Leu4132Gln]EACTRAGCAH

ClinVar aggregate classification (germline): Likely pathogenic (1 of 4 stars; one submission).

gnomAD v4.1: 2 of 1,614,044 alleles (0.00012%); highest among the groups gnomAD compares: Non-Finnish European, 0.00017%; no homozygotes.

Submission:

Labcorp Genetics (formerly Invitae), Labcorp
Classification: Likely pathogenic. Last evaluated: 2023-12-11. Review status: criteria provided, single submitter. Criteria: Invitae Variant Classification Sherloc (09022015). Collection method: clinical testing. Allele origin: germline.
Comment: This sequence change replaces leucine, which is neutral and non-polar, with glutamine, which is neutral and polar, at codon 4132 of the USH2A protein (p.Leu4132Gln). This variant is present in population databases (rs767712486, gnomAD 0.0009%). This variant has not been reported in the literature in individuals affected with USH2A-related conditions. Advanced modeling of protein sequence and biophysical properties (such as structural, functional, and spatial information, amino acid conservation, physicochemical variation, residue mobility, and thermodynamic stability) performed at Invitae indicates that this missense variant is expected to disrupt USH2A protein function with a positive predictive value of 95%. This variant disrupts the p.Leu4132 amino acid residue in USH2A. Other variant(s) that disrupt this residue have been determined to be pathogenic (Invitae). This suggests that this residue is clinically significant, and that variants that disrupt this residue are likely to be disease-causing. In summary, the currently available evidence indicates that the variant is pathogenic, but additional data are needed to prove that conclusively. Therefore, this variant has been classified as Likely Pathogenic.